The following is an entry in ClinVar:

ClinVar aggregate classification (germline): Uncertain significance. Review status: criteria provided, multiple submitters, no conflicts (2 of 4 stars). 7 submissions from 7 submitters: Uncertain significance (7). Last evaluated 2026-01-15.

Conditions:
FLNC-related disorder. Also called: FLNC-related disorders; FLNC-related condition.
Myofibrillar myopathy 5. Also called: FILAMINOPATHY, AUTOSOMAL DOMINANT; Filaminopathy (type). Identifiers: Orphanet 171445, MedGen C1836050, MONDO:0012289, OMIM 609524.
Hypertrophic cardiomyopathy 26. Also called: Cardiomyopathy, familial hypertrophic, 26. Identifiers: Orphanet 75249, MedGen C4310749, MONDO:0014883, OMIM 617047.
Distal myopathy with posterior leg and anterior hand involvement. Also called: WILLIAMS DISTAL MYOPATHY. Identifiers: Orphanet 63273, MedGen C3279722, MONDO:0013550, OMIM 614065.
Cardiovascular phenotype. Identifiers: MedGen CN230736.

Allele frequency attached by ClinVar (database versions not stated): TOPMed below 0.00001; gnomAD 0.00001; ExAC 0.00002; gnomAD exomes 0.00002; ESP Exome Variant Server 0.00008.
gnomAD v4.1: 25 of 1,613,606 alleles (0.0015%); highest among the groups gnomAD compares: Non-Finnish European, 0.002%; no homozygotes.

Submissions (7):

Labcorp Genetics (formerly Invitae), Labcorp
Classification: Uncertain significance for Distal myopathy with posterior leg and anterior hand involvement; Myofibrillar myopathy 5; Hypertrophic cardiomyopathy 26. Last evaluated: 2026-01-15. Review status: criteria provided, single submitter. Criteria: Invitae Variant Classification Sherloc (09022015). Collection method: clinical testing. Allele origin: germline.
Comment: This sequence change replaces glycine, which is neutral and non-polar, with serine, which is neutral and polar, at codon 802 of the FLNC protein (p.Gly802Ser). This variant is present in population databases (rs371398126, gnomAD 0.004%). This variant has not been reported in the literature in individuals affected with FLNC-related conditions. ClinVar contains an entry for this variant (Variation ID: 472011). Invitae Evidence Modeling of protein sequence and biophysical properties (such as structural, functional, and spatial information, amino acid conservation, physicochemical variation, residue mobility, and thermodynamic stability) has been performed for this missense variant. However, the output from this modeling did not meet the statistical confidence thresholds required to predict the impact of this variant on FLNC protein function. In summary, the available evidence is currently insufficient to determine the role of this variant in disease. Therefore, it has been classified as a Variant of Uncertain Significance.

PreventionGenetics, part of Exact Sciences
Classification: Uncertain significance for FLNC-related condition. Last evaluated: 2026-01-09. Review status: criteria provided, single submitter. Criteria: ACMG Guidelines, 2015. Collection method: clinical testing. Allele origin: germline.
Comment: The FLNC c.2404G>A variant is predicted to result in the amino acid substitution p.Gly802Ser. To our knowledge, this variant has not been reported in the literature. This variant is reported in 0.0044% of alleles in individuals of European (Non-Finnish) descent in gnomAD. At this time, the clinical significance of this variant is uncertain due to the absence of conclusive functional and genetic evidence.

Ambry Genetics
Classification: Uncertain significance for Cardiovascular phenotype. Last evaluated: 2025-06-11. Review status: criteria provided, single submitter. Criteria: Ambry Variant Classification Scheme 2023. Collection method: clinical testing. Allele origin: germline.
Comment: The p.G802S variant (also known as c.2404G>A), located in coding exon 16 of the FLNC gene, results from a G to A substitution at nucleotide position 2404. The glycine at codon 802 is replaced by serine, an amino acid with similar properties. This variant was reported in individual(s) with features consistent with arrhythmogenic cardiomyopathy and dilated cardiomyopathy (Bueno Marinas M et al. Int J Mol Sci, 2024 Jun;25; Ambry internal data). This amino acid position is highly conserved in available vertebrate species. In addition, the in silico prediction for this alteration is inconclusive. Based on the available evidence, the clinical significance of this variant remains unclear.

Blueprint Genetics
Classification: Uncertain significance. Last evaluated: 2024-11-20. Review status: criteria provided, single submitter. Criteria: ACMG Guidelines, 2015. Collection method: clinical testing. Allele origin: germline.

Revvity Omics, Revvity
Classification: Uncertain significance. Last evaluated: 2024-08-02. Review status: criteria provided, single submitter. Criteria: ACMG Guidelines, 2015. Collection method: clinical testing. Allele origin: germline.

GeneDx
Classification: Uncertain significance. Last evaluated: 2024-05-24. Review status: criteria provided, single submitter. Criteria: GeneDx Variant Classification Process June 2021. Collection method: clinical testing. Allele origin: germline. Affected: yes.
Comment: Has not been previously published as pathogenic or benign to our knowledge; In silico analysis supports that this missense variant has a deleterious effect on protein structure/function

Fulgent Genetics
Classification: Uncertain significance for Myofibrillar myopathy 5; Distal myopathy with posterior leg and anterior hand involvement; Hypertrophic cardiomyopathy 26. Last evaluated: 2021-09-24. Review status: criteria provided, single submitter. Criteria: ACMG Guidelines, 2015. Collection method: clinical testing. Allele origin: unknown.

Literature cited by the submitters: PubMed 38892455 (cited by Ambry Genetics).

NM_001458.5(FLNC):c.2404G>A (p.Gly802Ser)

Gene: FLNC (filamin C; plus strand). Cytogenetic location: 7q32.1.
Variant type: single nucleotide variant.
Coding change: c.2404G>A on transcript NM_001458.5 (MANE Select); coding-DNA position 2404, G replaced by A.
Protein change: p.Gly802Ser; replaces glycine 802 with serine.
Molecular consequence: missense variant.
Genome position (GRCh38, 1-based): chr7:128,842,808, G>A. VCF-style: chr7-128842808-G-A. GRCh37 (hg19) VCF-style: chr7-128482862-G-A.
Other names: c.2404G>A, p.Gly802Ser (NM_001127487.2); short protein forms G802S.
Identifiers: ClinVar variation 472011 (VCV000472011.17), dbSNP rs371398126, ClinGen allele CA4474727.